The following is an entry in ClinVar:

NM_138927.4(SON):c.4131_4132insACTTCGACTGTAACTGTCCTGGAG (p.Glu1377_Ser1378insThrSerThrValThrValLeuGlu)

Gene: SON (SON DNA and RNA binding protein; plus strand). Cytogenetic location: 21q22.11.
Variant type: Insertion.
Coding change: c.4131_4132insACTTCGACTGTAACTGTCCTGGAG on transcript NM_138927.4 (MANE Select); coding-DNA positions 4131 to 4132, ACTTCGACTGTAACTGTCCTGGAG inserted.
Protein change: p.Glu1377_Ser1378insThrSerThrValThrValLeuGlu.
Molecular consequence: inframe insertion. On other transcripts: non-coding transcript variant (1), intron variant (1).
Genome position: GRCh38 VCF-style: chr21-33553350-G-GACTGTCCTGGAGACTTCGACTGTA. GRCh37 (hg19) VCF-style: chr21-34925656-G-GACTGTCCTGGAGACTTCGACTGTA.
Other names: c.4131_4132insACTTCGACTGTAACTGTCCTGGAG, p.Glu1377_Ser1378insThrSerThrValThrValLeuGlu (NM_001291411.2, NM_032195.3); c.245-3794_245-3793insACTTCGACTGTAACTGTCCTGGAG (NM_001291412.3).
Identifiers: ClinVar variation 5009135 (VCV005009135.1).

ClinVar aggregate classification (germline): Uncertain significance (1 of 4 stars; one submission).

Submission:

GeneDx
Classification: Uncertain significance. Last evaluated: 2026-03-12. Review status: criteria provided, single submitter. Criteria: GeneDx Variant Classification Process June 2021. Collection method: clinical testing. Allele origin: germline.
Comment: In-frame insertion of 8 amino acid(s) in a non-repeat region; Not observed at significant frequency in large population cohorts (gnomAD); Has not been previously published as pathogenic or benign to our knowledge